The following is an entry in ClinVar:

NM_018006.5(TRMU):c.712C>T (p.Gln238Ter)

Gene: TRMU (tRNA mitochondrial 2-thiouridylase; plus strand). Cytogenetic location: 22q13.31.
Variant type: single nucleotide variant.
Coding change: c.712C>T on transcript NM_018006.5 (MANE Select); coding-DNA position 712, C replaced by T.
Protein change: p.Gln238Ter; replaces glutamine 238 with a stop codon.
Molecular consequence: nonsense. On other transcripts: non-coding transcript variant (2).
Genome position (GRCh38, 1-based): chr22:46,352,270, C>T. VCF-style: chr22-46352270-C-T. GRCh37 (hg19) VCF-style: chr22-46748167-C-T.
Other names: c.*156C>T (NM_001008568.2); c.*250C>T (NM_001008570.2); c.370C>T, p.Gln124Ter (NM_001282782.2); c.292C>T, p.Gln98Ter (NM_001282783.2, NM_001282784.2); c.712C>T, p.Gln238Ter (NM_001282785.2); short protein forms Q238*, Q98*, Q124*.
Identifiers: ClinVar variation 2839286 (VCV002839286.3), dbSNP rs2518191775, ClinGen allele CA411946321.

ClinVar aggregate classification (germline): Pathogenic (1 of 4 stars; one submission).

Submission:

Labcorp Genetics (formerly Invitae), Labcorp
Classification: Pathogenic. Last evaluated: 2023-02-20. Review status: criteria provided, single submitter. Criteria: Invitae Variant Classification Sherloc (09022015). Collection method: clinical testing. Allele origin: germline.
Comment: For these reasons, this variant has been classified as Pathogenic. Algorithms developed to predict the effect of sequence changes on RNA splicing suggest that this variant may disrupt the consensus splice site. This variant has not been reported in the literature in individuals affected with TRMU-related conditions. This variant is not present in population databases (gnomAD no frequency). This sequence change creates a premature translational stop signal (p.Gln238*) in the TRMU gene. It is expected to result in an absent or disrupted protein product. Loss-of-function variants in TRMU are known to be pathogenic (PMID: 19732863, 23625533).

Literature cited by the submitters: PubMed 19732863; PubMed 23625533.